The following is an entry in ClinVar:

ClinVar aggregate classification (germline): Benign. Review status: criteria provided, multiple submitters, no conflicts (2 of 4 stars). 3 submissions from 3 submitters: Benign (2). 1 of the submissions does not count toward it. Last evaluated 2018-01-13.

Conditions:
Periodontitis. Identifiers: MedGen C0031099, MONDO:0005076, HP:0000704.
Vitamin D-dependent rickets type II with alopecia (VDDR2A). Also called: HYPOCALCEMIC VITAMIN D-RESISTANT RICKETS; Vitamin D-dependent rickets, type 2A; PDDR IIA; PSEUDOVITAMIN D-DEFICIENCY, TYPE IIA; RICKETS, HEREDITARY VITAMIN D-RESISTANT; RICKETS-ALOPECIA SYNDROME. Identifiers: Orphanet 93160, MedGen C0342646, MONDO:0010186, OMIM 277440.

Allele frequency attached by ClinVar (database versions not stated): gnomAD exomes 0.50000; 1000 Genomes Project 0.50260; 1000 Genomes Project 30x 0.50359; TOPMed 0.53112.
gnomAD v4.1: 80,467 of 151,768 alleles (53%); highest among the groups gnomAD compares: African/African-American, 57%; 21,593 homozygotes.

Submissions (3):

Illumina Laboratory Services, Illumina
Classification: Benign for Vitamin D-dependent rickets type II with alopecia. Last evaluated: 2018-01-13. Review status: criteria provided, single submitter. Criteria: ICSL Variant Classification Criteria 13 December 2019. Collection method: clinical testing. Allele origin: germline.
Comment: This variant was observed in the ICSL laboratory as part of a predisposition screen in an ostensibly healthy population. It had not been previously curated by ICSL or reported in the Human Gene Mutation Database (HGMD: prior to June 1st, 2018), and was therefore a candidate for classification through an automated scoring system. Utilizing variant allele frequency, disease prevalence and penetrance estimates, and inheritance mode, an automated score was calculated to assess if this variant is too frequent to cause the disease. Based on the score and internal cut-off values, a variant classified as benign is not then subjected to further curation. The score for this variant resulted in a classification of benign for this disease.

Breakthrough Genomics
Classification: Benign. Review status: criteria provided, single submitter. Criteria: ACMG Guidelines, 2015. Collection method: not provided. Allele origin: germline. Inheritance: Autosomal recessive inheritance. Affected: yes.

Genetics Laboratory, Lanzhou University
Classification: Benign for periodontitis. Last evaluated: 2023-04-20. Review status: no assertion criteria provided. Collection method: case-control. Allele origin: germline. Affected: yes. Not counted in ClinVar's aggregate classification.

NM_000376.3(VDR):c.*1906C>A

Gene: VDR (vitamin D receptor; minus strand). Cytogenetic location: 12q13.11.
Variant type: single nucleotide variant.
Coding change: c.*1906C>A on transcript NM_000376.3 (MANE Select); 1906 bases downstream of the stop codon, C replaced by A.
Molecular consequence: 3 prime UTR variant.
Genome position (GRCh38, 1-based): chr12:47,842,840, G>T on the plus strand (C>A on the coding strand, the complement: VDR is on the minus strand). VCF-style: chr12-47842840-G-T. GRCh37 (hg19) VCF-style: chr12-48236623-G-T.
Other names: c.*1906C>A (NM_001017535.2, NM_001017536.2, NM_001374661.1 and 1 more transcripts); c.*1705C>A (NM_001364085.2).
Identifiers: ClinVar variation 308841 (VCV000308841.7), dbSNP rs9729, ClinGen allele CA10641290.